The following is an entry in ClinVar:

NM_000551.4(VHL):c.530_536del (p.Arg177fs)

Genes: VHL (von Hippel-Lindau tumor suppressor; plus strand), LOC107303340 (3p25 von Hippel-Lindau tumor suppressor, E3 ubiquitin protein ligase Alu-mediated recombination region; plus strand). Cytogenetic location: 3p25.3.
Variant type: Deletion.
Coding change: c.530_536del on transcript NM_000551.4 (MANE Select); coding-DNA positions 530 to 536, 7 bases deleted (GACTGGA; older notation c.530_536delGACTGGA).
Protein change: p.Arg177fs; shifts the reading frame from arginine 177.
Molecular consequence: frameshift variant. On other transcripts: 3 prime UTR variant (1).
Genome position (GRCh38, 1-based): chr3:10,149,853-10,149,859, GACTGGA deleted; deleting any 7 consecutive bases within chr3:10,149,850-10,149,859 gives the same sequence; the c. name uses the placement nearest the transcript's 3' end. VCF-style (leftmost placement, unchanged base first): chr3-10149849-AGGAGACT-A. GRCh37 (hg19) VCF-style: chr3-10191533-AGGAGACT-A.
Other names: c.530_536delGACTGGA (NM_000551.3); c.*84_*90del (NM_001354723.2); c.407_413del, p.Arg136fs (NM_198156.3); short protein forms R136fs, R177fs.
Identifiers: ClinVar variation 694389 (VCV000694389.2), dbSNP rs1575932266, ClinGen allele CA915941845.

ClinVar aggregate classification (germline): Pathogenic (0 of 4 stars; one submission).

Conditions:
Papillary renal cell carcinoma type 1 (RCCP1). Also called: Renal adenocarcinoma; Renal cell carcinoma 1; Renal cell carcinoma, somatic; RENAL CELL CARCINOMA, PAPILLARY, 1, SOMATIC. Identifiers: Orphanet 47044, MedGen C1336839, OMIM 605074, HP:0011797.
Cerebellar hemangioblastoma. Also called: Hemangioblastoma, sporadic cerebellar. Identifiers: MedGen C1332900, MONDO:0003901, HP:0006880.
Von Hippel-Lindau syndrome (VHLS). Also called: von Hippel–Lindau syndrome; VHL syndrome; Von Hippel-Lindau. Identifiers: Orphanet 892, MedGen C0019562, MONDO:0008667, OMIM 193300. Disease mechanism: loss of function.
Skin adenoma.

Submission:

Cancer medicine, Gaomi People's Hospital
Classification: Pathogenic for Von Hippel-Lindau syndrome; Renal cell carcinoma; Cerebellar hemangioblastoma; Skin adenoma. Last evaluated: 2017-08-16. Review status: no assertion criteria provided. Collection method: clinical testing. Allele origin: inherited. Inheritance: Autosomal dominant inheritance. Affected: yes. Observed: 2 variant alleles.
Comment: This variation (c.530_536delGACTGGA in VHL) is pathogenic, leading to hemangioblastoma in cerebellar tumors, metastasis of renal carcinoma and bilateral multiple nephridial cysts. This mutation may result in the alterations of the amino acid at position 177 (arginine) and the subsequent amino acids to form an abnormal VHL protein.